The following is an entry in ClinVar:

ClinVar aggregate classification (germline): Uncertain significance (1 of 4 stars; one submission).

Conditions:
Retinitis pigmentosa 59 (RP59). Identifiers: Orphanet 791, MedGen C3151227, MONDO:0013468, OMIM 613861.

Allele frequency attached by ClinVar (database versions not stated): gnomAD exomes below 0.00001; TOPMed below 0.00001; gnomAD 0.00001.

Submission:

Labcorp Genetics (formerly Invitae), Labcorp
Classification: Uncertain significance for Retinitis pigmentosa 59. Last evaluated: 2022-07-13. Review status: criteria provided, single submitter. Criteria: Invitae Variant Classification Sherloc (09022015). Collection method: clinical testing. Allele origin: germline.
Comment: This sequence change replaces phenylalanine, which is neutral and non-polar, with leucine, which is neutral and non-polar, at codon 149 of the DHDDS protein (p.Phe149Leu). This variant is present in population databases (no rsID available, gnomAD 0.006%). This variant has not been reported in the literature in individuals affected with DHDDS-related conditions. Algorithms developed to predict the effect of missense changes on protein structure and function (SIFT, PolyPhen-2, Align-GVGD) all suggest that this variant is likely to be tolerated. In summary, the available evidence is currently insufficient to determine the role of this variant in disease. Therefore, it has been classified as a Variant of Uncertain Significance.

NM_205861.3(DHDDS):c.445T>C (p.Phe149Leu)

Gene: DHDDS (dehydrodolichyl diphosphate synthase subunit; plus strand). Cytogenetic location: 1p36.11.
Variant type: single nucleotide variant.
Coding change: c.445T>C on transcript NM_205861.3 (MANE Select); coding-DNA position 445, T replaced by C.
Protein change: p.Phe149Leu; replaces phenylalanine 149 with leucine.
Molecular consequence: missense variant. On other transcripts: intron variant (1).
Genome position (GRCh38, 1-based): chr1:26,447,563, T>C. VCF-style: chr1-26447563-T-C. GRCh37 (hg19) VCF-style: chr1-26774054-T-C.
Other names: c.328T>C, p.Phe110Leu (NM_001243565.2); c.166T>C, p.Phe56Leu (NM_001319959.2); c.445T>C, p.Phe149Leu (NM_024887.4); c.440+1131T>C (NM_001243564.2); short protein forms F149L, F56L, F110L.
Identifiers: ClinVar variation 1964524 (VCV001964524.2), dbSNP rs1271877493, ClinGen allele CA339143083.